The following is an entry in ClinVar:

ClinVar aggregate classification (germline): Pathogenic (1 of 4 stars; one submission).

Submission:

Labcorp Genetics (formerly Invitae), Labcorp
Classification: Pathogenic. Last evaluated: 2022-09-26. Review status: criteria provided, single submitter. Criteria: Invitae Variant Classification Sherloc (09022015). Collection method: clinical testing. Allele origin: germline.
Comment: For these reasons, this variant has been classified as Pathogenic. This variant has not been reported in the literature in individuals affected with HBB-related conditions. This variant results in the deletion of exon 1 and part of exon 2 (c.-2750_252del) of the HBB gene. It is expected to result in an absent or disrupted protein product. Loss-of-function variants in HBB are known to be pathogenic (PMID: 23637309).

Literature cited by the submitters: PubMed 23637309.

NC_000011.9:g.(?_5247870)_(5251001_?)del

Gene: HBB (hemoglobin subunit beta; minus strand). Cytogenetic location: 11p15.4.
Variant type: Deletion.
Identifiers: ClinVar variation 2423190 (VCV002423190.4).